The following is an entry in ClinVar:

ClinVar aggregate classification (germline): Likely pathogenic (1 of 4 stars; one submission).

Submission:

CeGaT Center for Human Genetics Tuebingen
Classification: Likely pathogenic. Last evaluated: 2024-02-01. Review status: criteria provided, single submitter. Criteria: CeGaT Center For Human Genetics Tuebingen Variant Classification Criteria Version 2. Collection method: clinical testing. Allele origin: germline. Affected: yes. Observed: 1 variant allele.
Comment: KIF1A: PM1, PM2, PP2, PP3

NM_001244008.2(KIF1A):c.989C>A (p.Ala330Asp)

Gene: KIF1A (kinesin family member 1A; minus strand). Cytogenetic location: 2q37.3.
Variant type: single nucleotide variant.
Coding change: c.989C>A on transcript NM_001244008.2 (MANE Select); coding-DNA position 989, C replaced by A.
Protein change: p.Ala330Asp; replaces alanine 330 with aspartic acid.
Molecular consequence: missense variant.
Genome position (GRCh38, 1-based): chr2:240,774,231, G>T on the plus strand (C>A on the coding strand, the complement: KIF1A is on the minus strand). VCF-style: chr2-240774231-G-T. GRCh37 (hg19) VCF-style: chr2-241713648-G-T.
Other names: c.989C>A, p.Ala330Asp (NM_001320705.2, NM_001330289.2, NM_001330290.2 and 21 more transcripts); short protein forms A330D.
Identifiers: ClinVar variation 3027205 (VCV003027205.22), dbSNP rs2537957670, ClinGen allele CA351296847.